The following is an entry in ClinVar:

NM_001379451.1(BCORL1):c.4178C>T (p.Ser1393Leu)

Gene: BCORL1 (BCL6 corepressor like 1; plus strand). Cytogenetic location: Xq26.1.
Variant type: single nucleotide variant.
Coding change: c.4178C>T on transcript NM_001379451.1 (MANE Select); coding-DNA position 4178, C replaced by T.
Protein change: p.Ser1393Leu; replaces serine 1393 with leucine.
Molecular consequence: missense variant.
Genome position (GRCh38, 1-based): chrX:130,028,734, C>T. VCF-style: chrX-130028734-C-T. GRCh37 (hg19) VCF-style: chrX-129162709-C-T.
Other names: c.3788C>T, p.Ser1263Leu (NM_001441331.1, NM_001441332.1, NM_001441329.1 and 1 more transcripts); c.4178C>T, p.Ser1393Leu (NM_021946.5, NM_001441328.1, NM_001184772.3 and 3 more transcripts); short protein forms S1393L, S1263L.
Identifiers: ClinVar variation 4087824 (VCV004087824.2).

ClinVar aggregate classification (germline): Uncertain significance (1 of 4 stars; one submission).

gnomAD v4.1: 1 of 1,208,017 alleles (0.000083%); highest among the groups gnomAD compares: Admixed American, 0.0022%; no homozygotes.

Submission:

GeneDx
Classification: Uncertain significance. Last evaluated: 2026-07-09. Review status: criteria provided, single submitter. Criteria: GeneDx Variant Classification Process June 2021. Collection method: clinical testing. Allele origin: germline.
Comment: Not observed at significant frequency in large population cohorts (gnomAD); In silico analysis supports that this missense variant has a deleterious effect on protein structure/function; Has not been previously published as pathogenic or benign to our knowledge